The following is an entry in ClinVar:

NM_032977.4(CASP10):c.895G>C (p.Asp299His)

Gene: CASP10 (caspase 10; plus strand). Cytogenetic location: 2q33.1.
Variant type: single nucleotide variant.
Coding change: c.895G>C on transcript NM_032977.4 (MANE Select); coding-DNA position 895, G replaced by C.
Protein change: p.Asp299His; replaces aspartic acid 299 with histidine.
Molecular consequence: missense variant. On other transcripts: intron variant (1).
Genome position (GRCh38, 1-based): chr2:201,208,156, G>C. VCF-style: chr2-201208156-G-C. GRCh37 (hg19) VCF-style: chr2-202072879-G-C.
Other names: c.766G>C, p.Asp256His (NM_001206542.2, NM_001230.5); c.895G>C, p.Asp299His (NM_032974.5); c.803G>C, p.Gly268Ala (NM_032976.4); c.722-914G>C (NM_001206524.2); short protein forms D256H, G268A, D299H.
Identifiers: ClinVar variation 2942824 (VCV002942824.3), dbSNP rs2469441169, ClinGen allele CA350286763.

ClinVar aggregate classification (germline): Uncertain significance (1 of 4 stars; one submission).

Conditions:
Autoimmune lymphoproliferative syndrome type 2A (ALPS2A). Also called: CASP10-Related Autoimmune Lymphoproliferative Syndrome; AUTOIMMUNE LYMPHOPROLIFERATIVE SYNDROME, TYPE IIA; Autoimmune lymphoproliferative syndrome type 2. Identifiers: Orphanet 3261, MedGen C1858968, MONDO:0011383, OMIM 603909.

Submission:

Labcorp Genetics (formerly Invitae), Labcorp
Classification: Uncertain significance for Autoimmune lymphoproliferative syndrome type 2A. Last evaluated: 2023-04-29. Review status: criteria provided, single submitter. Criteria: Invitae Variant Classification Sherloc (09022015). Collection method: clinical testing. Allele origin: germline.
Comment: This sequence change replaces aspartic acid, which is acidic and polar, with histidine, which is basic and polar, at codon 299 of the CASP10 protein (p.Asp299His). This variant is not present in population databases (gnomAD no frequency). This variant has not been reported in the literature in individuals affected with CASP10-related conditions. Advanced modeling of protein sequence and biophysical properties (such as structural, functional, and spatial information, amino acid conservation, physicochemical variation, residue mobility, and thermodynamic stability) performed at Invitae indicates that this missense variant is not expected to disrupt CASP10 protein function. In summary, the available evidence is currently insufficient to determine the role of this variant in disease. Therefore, it has been classified as a Variant of Uncertain Significance.